The following is an entry in ClinVar:

NM_001395656.1(ROBO2):c.-459G>A

Gene: ROBO2 (roundabout guidance receptor 2; plus strand). Cytogenetic location: 3p12.3.
Variant type: single nucleotide variant.
Coding change: c.-459G>A on transcript NM_001395656.1 (MANE Select); 459 bases upstream of the start codon, G replaced by A.
Molecular consequence: 5 prime UTR variant. On other transcripts: intron variant (16).
Genome position (GRCh38, 1-based): chr3:77,040,327, G>A. VCF-style: chr3-77040327-G-A. GRCh37 (hg19) VCF-style: chr3-77089478-G-A.
Other names: c.-459G>A (NM_001290039.2, NM_001290040.2, NM_001378193.1 and 3 more transcripts); c.-2377G>A (NM_001290065.2); c.110-57687G>A (NM_001378191.1, NM_001378195.1, NM_001378196.1 and 5 more transcripts); c.131-57687G>A (NM_001394213.1, NM_001378192.1, NM_001378198.1 and 5 more transcripts).
Identifiers: ClinVar variation 346669 (VCV000346669.7), dbSNP rs542280581, ClinGen allele CA10617419.

ClinVar aggregate classification (germline): Benign. Review status: criteria provided, multiple submitters, no conflicts (2 of 4 stars). 2 submissions from 2 submitters: Benign (2). Last evaluated 2018-01-13.

Conditions:
Vesicoureteral reflux 2 (VUR2). Identifiers: Orphanet 289365, MedGen C1970483, MONDO:0012573, OMIM 610878.

Allele frequency attached by ClinVar (database versions not stated): 1000 Genomes Project 0.00060; 1000 Genomes Project 30x 0.00078; gnomAD 0.00349 and 0.00382; TOPMed 0.00361; gnomAD exomes 0.00527.
gnomAD v4.1: 5,021 of 995,630 alleles (0.5%); highest among the groups gnomAD compares: Non-Finnish European, 0.56%; 16 homozygotes.

Submissions (2):

Illumina Laboratory Services, Illumina
Classification: Benign for Vesicoureteral reflux 2. Last evaluated: 2018-01-13. Review status: criteria provided, single submitter. Criteria: ICSL Variant Classification Criteria 13 December 2019. Collection method: clinical testing. Allele origin: germline.
Comment: This variant was observed in the ICSL laboratory as part of a predisposition screen in an ostensibly healthy population. It had not been previously curated by ICSL or reported in the Human Gene Mutation Database (HGMD: prior to June 1st, 2018), and was therefore a candidate for classification through an automated scoring system. Utilizing variant allele frequency, disease prevalence and penetrance estimates, and inheritance mode, an automated score was calculated to assess if this variant is too frequent to cause the disease. Based on the score and internal cut-off values, a variant classified as benign is not then subjected to further curation. The score for this variant resulted in a classification of benign for this disease.

Breakthrough Genomics
Classification: Benign. Review status: criteria provided, single submitter. Criteria: ACMG Guidelines, 2015. Collection method: not provided. Allele origin: germline. Inheritance: Autosomal dominant inheritance. Affected: yes.